The following is an entry in ClinVar:

ClinVar aggregate classification (germline): Uncertain significance. Review status: criteria provided, multiple submitters, no conflicts (2 of 4 stars). 2 submissions from 2 submitters: Uncertain significance (2). Last evaluated 2021-10-13.

Conditions:
Inborn genetic diseases. Identifiers: MedGen C0950123, MeSH D030342.
Charcot-Marie-Tooth disease type 4. Also called: Charcot-Marie-Tooth disease, type IV; Charcot-Marie-Tooth, Type 4. Identifiers: Orphanet 64749, MedGen C4082197, MONDO:0018995.

Allele frequency attached by ClinVar (database versions not stated): gnomAD 0.00001; gnomAD exomes 0.00001; ExAC 0.00002.
gnomAD v4.1: 18 of 1,613,056 alleles (0.0011%); highest among the groups gnomAD compares: Non-Finnish European, 0.0015%; no homozygotes.

Submissions (2):

Labcorp Genetics (formerly Invitae), Labcorp
Classification: Uncertain significance for Charcot-Marie-Tooth disease type 4. Last evaluated: 2021-10-13. Review status: criteria provided, single submitter. Criteria: Invitae Variant Classification Sherloc (09022015). Collection method: clinical testing. Allele origin: germline.
Comment: This variant is present in population databases (rs767504243, ExAC 0.003%). In summary, the available evidence is currently insufficient to determine the role of this variant in disease. Therefore, it has been classified as a Variant of Uncertain Significance. Algorithms developed to predict the effect of missense changes on protein structure and function are either unavailable or do not agree on the potential impact of this missense change (SIFT: "Tolerated"; PolyPhen-2: "Possibly Damaging"; Align-GVGD: "Class C0"). This variant has not been reported in the literature in individuals affected with PRX-related conditions. This sequence change replaces glutamic acid with lysine at codon 1208 of the PRX protein (p.Glu1208Lys). The glutamic acid residue is moderately conserved and there is a small physicochemical difference between glutamic acid and lysine.

Ambry Genetics
Classification: Uncertain significance for Inborn genetic diseases. Last evaluated: 2019-11-21. Review status: criteria provided, single submitter. Criteria: Ambry Variant Classification Scheme 2023. Collection method: clinical testing. Allele origin: germline.
Comment: The p.E1208K variant (also known as c.3622G>A), located in coding exon 4 of the PRX gene, results from a G to A substitution at nucleotide position 3622. The glutamic acid at codon 1208 is replaced by lysine, an amino acid with similar properties. This amino acid position is well conserved in available vertebrate species. In addition, this alteration is predicted to be tolerated by in silico analysis. Since supporting evidence is limited at this time, the clinical significance of this alteration remains unclear.

NM_181882.3(PRX):c.3622G>A (p.Glu1208Lys)

Gene: PRX (periaxin; minus strand). Cytogenetic location: 19q13.2.
Variant type: single nucleotide variant.
Coding change: c.3622G>A on transcript NM_181882.3 (MANE Select); coding-DNA position 3622, G replaced by A.
Protein change: p.Glu1208Lys; replaces glutamic acid 1208 with lysine.
Molecular consequence: missense variant. On other transcripts: 3 prime UTR variant (1).
Genome position (GRCh38, 1-based): chr19:40,394,730, C>T on the plus strand (G>A on the coding strand, the complement: PRX is on the minus strand). VCF-style: chr19-40394730-C-T. GRCh37 (hg19) VCF-style: chr19-40900637-C-T.
Other names: c.*3827G>A (NM_020956.2); short protein forms E1208K.
Identifiers: ClinVar variation 856547 (VCV000856547.9), dbSNP rs767504243, ClinGen allele CA9443824.
Genomic context (GRCh38, chr19:40,394,730, plus strand): 5'-TTAGCCCCACGTCCAGCTCAAGCTGGGGCACTGTCACGGTGGGCATCTTAAAGACACCCT[C>T]ACCCACCAGCAGCTCACCACCTGCAACCTGGGCTCCAGGCAGAGACAGGGTCACCTGGGG-3'
Protein context (NP_870998.2, residues 1198-1218): QVAGGELLVG[Glu1208Lys]GVFKMPTVTV